The following is an entry in ClinVar:

NM_000787.4(DBH):c.*6G>T

Gene: DBH (dopamine beta-hydroxylase; plus strand). Cytogenetic location: 9q34.2.
Variant type: single nucleotide variant.
Coding change: c.*6G>T on transcript NM_000787.4 (MANE Select); 6 bases downstream of the stop codon, G replaced by T.
Molecular consequence: 3 prime UTR variant.
Genome position (GRCh38, 1-based): chr9:133,658,453, G>T. VCF-style: chr9-133658453-G-T. GRCh37 (hg19) VCF-style: chr9-136523575-G-T.
Identifiers: ClinVar variation 4988330 (VCV004988330.1).

ClinVar aggregate classification (germline): Likely benign (1 of 4 stars; one submission).

Conditions:
DBH-related disorder. Also called: DBH-related condition.

gnomAD v4.1: 43 of 1,602,544 alleles (0.0027%); highest among the groups gnomAD compares: Admixed American, 0.073%; no homozygotes.

Submission:

PreventionGenetics, part of Exact Sciences
Classification: Likely benign for DBH-related condition. Last evaluated: 2024-10-31. Review status: criteria provided, single submitter. Criteria: ACMG Guidelines, 2015. Collection method: clinical testing. Allele origin: germline.
Comment: This variant is classified as likely benign based on ACMG/AMP sequence variant interpretation guidelines (Richards et al. 2015 PMID: 25741868, with internal and published modifications).